The following is an entry in ClinVar:

ClinVar aggregate classification (germline): Pathogenic (1 of 4 stars; one submission).

Submission:

Labcorp Genetics (formerly Invitae), Labcorp
Classification: Pathogenic. Last evaluated: 2025-03-18. Review status: criteria provided, single submitter. Criteria: Invitae Variant Classification Sherloc (09022015). Collection method: clinical testing. Allele origin: germline.
Comment: This sequence change creates a premature translational stop signal (p.Arg38*) in the PCARE gene. It is expected to result in an absent or disrupted protein product. Loss-of-function variants in PCARE are known to be pathogenic (PMID: 20398886, 24339724, 26496393). This variant is not present in population databases (gnomAD no frequency). This variant has not been reported in the literature in individuals affected with PCARE-related conditions. For these reasons, this variant has been classified as Pathogenic.

Literature cited by the submitters: PubMed 20398886; PubMed 24339724; PubMed 26496393.

NM_001029883.3(PCARE):c.112A>T (p.Arg38Ter)

Gene: PCARE (photoreceptor cilium actin regulator; minus strand). Cytogenetic location: 2p23.2.
Variant type: single nucleotide variant.
Coding change: c.112A>T on transcript NM_001029883.3 (MANE Select); coding-DNA position 112, A replaced by T.
Protein change: p.Arg38Ter; replaces arginine 38 with a stop codon.
Molecular consequence: nonsense.
Genome position (GRCh38, 1-based): chr2:29,074,150, T>A on the plus strand (A>T on the coding strand, the complement: PCARE is on the minus strand). VCF-style: chr2-29074150-T-A. GRCh37 (hg19) VCF-style: chr2-29297016-T-A.
Other names: short protein forms R38*.
Identifiers: ClinVar variation 4715299 (VCV004715299.1).